The following is an entry in ClinVar:

ClinVar aggregate classification (germline): Pathogenic/Likely pathogenic. Review status: criteria provided, multiple submitters, no conflicts (2 of 4 stars). 3 submissions from 3 submitters: Pathogenic (1); Likely pathogenic (2). Last evaluated 2025-09-30.

Conditions:
Glutaric acidemia type 2A.
Multiple acyl-CoA dehydrogenase deficiency (MADD). Also called: ETHYLMALONIC-ADIPICACIDURIA; GA II; Glutaric aciduria, type 2; Glutaric acidemia type II; GA 2; Glutaric Acidemia type 2. Identifiers: Orphanet 26791, MedGen C0268596, MONDO:0009282, OMIM 231680.

Submissions (3):

Natera, Inc.
Classification: Likely pathogenic for Glutaric acidemia type 2A. Last evaluated: 2025-09-30. Review status: criteria provided, single submitter. Criteria: Natera Variant Classification Schema (03/2026). Collection method: clinical testing. Allele origin: germline.
Comment: The c.826_833dupATTGCTGT variant in ETFA is a frameshift variant predicted to shift the reading frame beginning at codon 279 and leads to a stop codon 12 codons downstream. This variant is expected to result in nonsense mediated decay, truncation, or a dysfunctional protein product. This variant is rare in the general population with a frequency below the threshold expected for the associated phenotype(s). Given the available evidence, this variant is classified as Likely Pathogenic.

Baylor Genetics
Classification: Likely pathogenic for Multiple acyl-CoA dehydrogenase deficiency. Last evaluated: 2024-03-13. Review status: criteria provided, single submitter. Criteria: ACMG Guidelines, 2015. Collection method: clinical testing. Allele origin: unknown.

Labcorp Genetics (formerly Invitae), Labcorp
Classification: Pathogenic for Multiple acyl-CoA dehydrogenase deficiency. Last evaluated: 2022-01-01. Review status: criteria provided, single submitter. Criteria: Invitae Variant Classification Sherloc (09022015). Collection method: clinical testing. Allele origin: germline.
Comment: For these reasons, this variant has been classified as Pathogenic. This variant has not been reported in the literature in individuals affected with ETFA-related conditions. This variant is not present in population databases (gnomAD no frequency). This sequence change creates a premature translational stop signal (p.Gly279Leufs*12) in the ETFA gene. It is expected to result in an absent or disrupted protein product. Loss-of-function variants in ETFA are known to be pathogenic (PMID: 16510302, 23785301).

Literature cited by the submitters: PubMed 16510302 (cited by Labcorp Genetics (formerly Invitae), Labcorp); PubMed 23785301 (cited by Labcorp Genetics (formerly Invitae), Labcorp).

NM_000126.4(ETFA):c.826_833dup (p.Gly279fs)

Gene: ETFA (electron transfer flavoprotein subunit alpha; minus strand). Cytogenetic location: 15q24.2.
Variant type: Duplication.
Coding change: c.826_833dup on transcript NM_000126.4 (MANE Select); coding-DNA positions 826 to 833, 8 bases duplicated (ATTGCTGT; older notation c.826_833dupATTGCTGT).
Protein change: p.Gly279fs; shifts the reading frame from glycine 279.
Molecular consequence: frameshift variant.
Genome position (GRCh38, 1-based): chr15:76,231,382-76,231,389, ACAGCAAT duplicated on the plus strand (ATTGCTGT on the coding strand, the reverse complement: ETFA is on the minus strand); duplicating any 8 consecutive bases within chr15:76,231,382-76,231,390 gives the same sequence; the c. name uses the placement nearest the transcript's 3' end. VCF-style (leftmost placement, unchanged base first): chr15-76231381-A-AACAGCAAT. GRCh37 (hg19) VCF-style: chr15-76523722-A-AACAGCAAT.
Other names: c.826_833dupATTGCTGT (NM_000126.3); c.679_686dup, p.Gly230fs (NM_001127716.2); short protein forms G230fs, G279fs.
Identifiers: ClinVar variation 1924837 (VCV001924837.8), dbSNP rs1461515863, ClinGen allele CA715798423.